The following is an entry in ClinVar:

ClinVar aggregate classification (germline): Uncertain significance (1 of 4 stars; one submission).

Conditions:
Glycogen storage disease IXb (GSD9B). Also called: PHOSPHORYLASE KINASE DEFICIENCY OF LIVER AND MUSCLE, AUTOSOMAL RECESSIVE; GLYCOGENOSIS OF LIVER AND MUSCLE, AUTOSOMAL RECESSIVE; GSD IXb. Identifiers: Orphanet 79240, MedGen C0543514, MONDO:0009868, OMIM 261750.

Submission:

Labcorp Genetics (formerly Invitae), Labcorp
Classification: Uncertain significance for Glycogen storage disease IXb. Last evaluated: 2022-06-27. Review status: criteria provided, single submitter. Criteria: Invitae Variant Classification Sherloc (09022015). Collection method: clinical testing. Allele origin: germline.
Comment: In summary, the available evidence is currently insufficient to determine the role of this variant in disease. Therefore, it has been classified as a Variant of Uncertain Significance. Experimental studies and prediction algorithms are not available or were not evaluated, and the functional significance of this variant is currently unknown. This variant has not been reported in the literature in individuals affected with PHKB-related conditions. This variant results in a copy number gain of the genomic region encompassing exon(s) 2 of the PHKB gene. While the exact position of this variant cannot be determined from the data, sub-genic copy number gains are generally in tandem (PMID: 25640679). This variant is predicted to be in-frame, and likely preserves the integrity of the reading frame.

Literature cited by the submitters: PubMed 25640679.

NC_000016.9:g.(?_47531290)_(47531419_?)dup

Gene: PHKB (phosphorylase kinase regulatory subunit beta; plus strand). Cytogenetic location: 16q12.1.
Variant type: Duplication.
Identifiers: ClinVar variation 2422827 (VCV002422827.4).